The following is an entry in ClinVar:

NM_001211.6(BUB1B):c.1538A>G (p.Asn513Ser)

Gene: BUB1B (BUB1 mitotic checkpoint serine/threonine kinase B; plus strand). Cytogenetic location: 15q15.1.
Variant type: single nucleotide variant.
Coding change: c.1538A>G on transcript NM_001211.6 (MANE Select); coding-DNA position 1538, A replaced by G.
Protein change: p.Asn513Ser; replaces asparagine 513 with serine.
Molecular consequence: missense variant.
Genome position (GRCh38, 1-based): chr15:40,200,951, A>G. VCF-style: chr15-40200951-A-G. GRCh37 (hg19) VCF-style: chr15-40493152-A-G.
Other names: short protein forms N513S.
Identifiers: ClinVar variation 3021516 (VCV003021516.4), dbSNP rs2542557124, ClinGen allele CA391690736.

ClinVar aggregate classification (germline): Uncertain significance. Review status: criteria provided, multiple submitters, no conflicts (2 of 4 stars). 2 submissions from 2 submitters: Uncertain significance (2). Last evaluated 2024-10-31.

Conditions:
Inborn genetic diseases. Identifiers: MedGen C0950123, MeSH D030342.
Mosaic variegated aneuploidy syndrome 1 (MVA1). Also called: Warburton-Anyane-Yeboa syndrome. Identifiers: Orphanet 1052, MedGen C1850343, MONDO:0009759, OMIM 257300.

Allele frequency attached by ClinVar (database versions not stated): gnomAD exomes below 0.00001.

Submissions (2):

Ambry Genetics
Classification: Uncertain significance for Inborn genetic diseases. Last evaluated: 2024-10-31. Review status: criteria provided, single submitter. Criteria: Ambry Variant Classification Scheme 2023. Collection method: clinical testing. Allele origin: germline.
Comment: The p.N513S variant (also known as c.1538A>G), located in coding exon 12 of the BUB1B gene, results from an A to G substitution at nucleotide position 1538. The asparagine at codon 513 is replaced by serine, an amino acid with highly similar properties. This amino acid position is conserved. In addition, this alteration is predicted to be tolerated by in silico analysis. Based on the available evidence, the clinical significance of this variant remains unclear.

Labcorp Genetics (formerly Invitae), Labcorp
Classification: Uncertain significance for Mosaic variegated aneuploidy syndrome 1. Last evaluated: 2023-01-31. Review status: criteria provided, single submitter. Criteria: Invitae Variant Classification Sherloc (09022015). Collection method: clinical testing. Allele origin: germline.
Comment: This variant has not been reported in the literature in individuals affected with BUB1B-related conditions. This variant is not present in population databases (gnomAD no frequency). This sequence change replaces asparagine, which is neutral and polar, with serine, which is neutral and polar, at codon 513 of the BUB1B protein (p.Asn513Ser). Algorithms developed to predict the effect of missense changes on protein structure and function output the following: SIFT: "Tolerated"; PolyPhen-2: "Benign"; Align-GVGD: "Class C0". The serine amino acid residue is found in multiple mammalian species, which suggests that this missense change does not adversely affect protein function. In summary, the available evidence is currently insufficient to determine the role of this variant in disease. Therefore, it has been classified as a Variant of Uncertain Significance.